The following is an entry in ClinVar:

NC_000010.11:g.96242785del

Gene: BLNK (B cell linker; minus strand). Cytogenetic location: 10q24.1.
Variant type: Deletion.
Genome position: GRCh38 VCF-style: chr10-96242783-GC-G. GRCh37 (hg19) VCF-style: chr10-98002539-GC-G.
Identifiers: ClinVar variation 538835 (VCV000538835.8), dbSNP rs1554906579, ClinGen allele CA658797520.

ClinVar aggregate classification (germline): Pathogenic (1 of 4 stars; one submission).

Conditions:
Agammaglobulinemia 4, autosomal recessive (AGM4). Also called: AGAMMAGLOBULINEMIA, AUTOSOMAL RECESSIVE, DUE TO BLNK DEFECT; B cell linker protein deficiency. Identifiers: MedGen C3150752, MONDO:0013289, OMIM 613502.

Submission:

Labcorp Genetics (formerly Invitae), Labcorp
Classification: Pathogenic for Agammaglobulinemia 4, autosomal recessive. Last evaluated: 2017-12-17. Review status: criteria provided, single submitter. Criteria: Invitae Variant Classification Sherloc (09022015). Collection method: clinical testing. Allele origin: germline.
Comment: For these reasons, this variant has been classified as Pathogenic. Loss-of-function variants in BLNK are known to be pathogenic (PMID: 10583958, 24582315). Algorithms developed to predict the effect of sequence changes on RNA splicing suggest that this variant may create or strengthen a splice site, but this prediction has not been confirmed by published transcriptional studies. This variant has not been reported in the literature in individuals with BLNK-related disease. This variant is not present in population databases (ExAC no frequency). This sequence change creates a premature translational stop signal (p.Lys38Asnfs*2) in the BLNK gene. It is expected to result in an absent or disrupted protein product.

Literature cited by the submitters: PubMed 10583958; PubMed 24582315.